The following is an entry in ClinVar:

NM_001044370.2(MPPED1):c.715G>A (p.Val239Ile)

Gene: MPPED1 (metallophosphoesterase domain containing 1; plus strand). Cytogenetic location: 22q13.2.
Variant type: single nucleotide variant.
Coding change: c.715G>A on transcript NM_001044370.2 (MANE Select); coding-DNA position 715, G replaced by A.
Protein change: p.Val239Ile; replaces valine 239 with isoleucine.
Molecular consequence: missense variant.
Genome position (GRCh38, 1-based): chr22:43,498,317, G>A. VCF-style: chr22-43498317-G-A. GRCh37 (hg19) VCF-style: chr22-43894197-G-A.
Other names: c.715G>A, p.Val239Ile (NM_001362786.2, NM_001585.2); short protein forms V239I.
Identifiers: ClinVar variation 2511631 (VCV002511631.3), dbSNP rs577756971, ClinGen allele CA10275245.
Genomic context (GRCh38, chr22:43,498,317, plus strand): 5'-GGCTTCAACCTCCCGCGAGGCCAAGCCCTGCTGGAGAAATGGAACCTCATTCCCGAAGGC[G>A]TAGACATCCTGATAACCCATGGACCACCACTGGGTAAGGCTCTGCTGGCCTGGCCCTCCA-3'
Protein context (NP_001037835.1, residues 229-249): LEKWNLIPEG[Val239Ile]DILITHGPPL

ClinVar aggregate classification (germline): Uncertain significance (1 of 4 stars; one submission).

Allele frequency attached by ClinVar (database versions not stated): 1000 Genomes Project 30x 0.00016; gnomAD exomes 0.00019; 1000 Genomes Project 0.00020; gnomAD 0.00028; TOPMed 0.00028; ExAC 0.00030.
gnomAD v4.1: 316 of 1,535,332 alleles (0.021%); highest among the groups gnomAD compares: African/African-American, 0.068%; no homozygotes.

Submission:

Ambry Genetics
Classification: Uncertain significance. Last evaluated: 2025-06-19. Review status: criteria provided, single submitter. Criteria: Ambry Variant Classification Scheme 2023. Collection method: clinical testing. Allele origin: germline.
Comment: The c.715G>A (p.V239I) alteration is located in exon (coding exon ) of the MPPED1 gene. This alteration results from a G to A substitution at nucleotide position 715, causing the valine (V) at amino acid position 239 to be replaced by an isoleucine (I). Based on insufficient or conflicting evidence, the clinical significance of this alteration remains unclear.